The following is an entry in ClinVar:

NM_002500.5(NEUROD1):c.151G>T (p.Asp51Tyr)

Gene: NEUROD1 (neuronal differentiation 1; minus strand). Cytogenetic location: 2q31.3.
Variant type: single nucleotide variant.
Coding change: c.151G>T on transcript NM_002500.5 (MANE Select); coding-DNA position 151, G replaced by T.
Protein change: p.Asp51Tyr; replaces aspartic acid 51 with tyrosine.
Molecular consequence: missense variant.
Genome position (GRCh38, 1-based): chr2:181,678,710, C>A on the plus strand (G>T on the coding strand, the complement: NEUROD1 is on the minus strand). VCF-style: chr2-181678710-C-A. GRCh37 (hg19) VCF-style: chr2-182543437-C-A.
Other names: c.151G>T (NM_002500.3); short protein forms D51Y.
Identifiers: ClinVar variation 848326 (VCV000848326.2), dbSNP rs773337298, ClinGen allele CA62111459.
Genomic context (GRCh38, chr2:181,678,710, plus strand): 5'-CTTCCTCCTCTTCCAGGTCCTCATCTTCGTCCTCCTCCTCTCCCCCGTTCCTCAGTGAGT[C>A]CTCCTCTGCGTTCATGGTTTCGAGGTCGTCCTCCTTCTTGTCTGCCTCGTGCTCCTCGTC-3'
Protein context (NP_002491.3, residues 41-61): DDLETMNAEE[Asp51Tyr]SLRNGGEEED

ClinVar aggregate classification (germline): Uncertain significance. Review status: criteria provided, multiple submitters, no conflicts (2 of 4 stars). 2 submissions from 2 submitters: Uncertain significance (2). Last evaluated 2025-08-30.

Conditions:
Inborn genetic diseases. Identifiers: MedGen C0950123, MeSH D030342.

Allele frequency attached by ClinVar (database versions not stated): gnomAD exomes below 0.00001; TOPMed below 0.00001; gnomAD 0.00001.

Submissions (2):

Ambry Genetics
Classification: Uncertain significance for Inborn genetic diseases. Last evaluated: 2025-08-30. Review status: criteria provided, single submitter. Criteria: Ambry Variant Classification Scheme 2023. Collection method: clinical testing. Allele origin: germline.

Labcorp Genetics (formerly Invitae), Labcorp
Classification: Uncertain significance. Last evaluated: 2019-12-26. Review status: criteria provided, single submitter. Criteria: Invitae Variant Classification Sherloc (09022015). Collection method: clinical testing. Allele origin: germline.
Comment: This sequence change replaces aspartic acid with tyrosine at codon 51 of the NEUROD1 protein (p.Asp51Tyr). The aspartic acid residue is highly conserved and there is a large physicochemical difference between aspartic acid and tyrosine. This variant is not present in population databases (ExAC no frequency). This variant has not been reported in the literature in individuals with NEUROD1-related conditions. Algorithms developed to predict the effect of missense changes on protein structure and function (SIFT, PolyPhen-2, Align-GVGD) all suggest that this variant is likely to be disruptive, but these predictions have not been confirmed by published functional studies and their clinical significance is uncertain. In summary, the available evidence is currently insufficient to determine the role of this variant in disease. Therefore, it has been classified as a Variant of Uncertain Significance.